The following is an entry in ClinVar:

ClinVar aggregate classification (germline): Uncertain significance (1 of 4 stars; one submission).

Conditions:
INPP5E-related disorder. Also called: INPP5E-related condition.

gnomAD v4.1: 1 of 1,613,110 alleles (0.000062%); highest among the groups gnomAD compares: African/African-American, 0.0013%; no homozygotes.

Submission:

PreventionGenetics, part of Exact Sciences
Classification: Uncertain significance for INPP5E-related condition. Last evaluated: 2026-09-21. Review status: criteria provided, single submitter. Criteria: ACMG Guidelines, 2015. Collection method: clinical testing. Allele origin: germline.
Comment: The INPP5E c.1584C>G variant is predicted to result in the amino acid substitution p.Ile528Met. To our knowledge, this variant has not been reported in the literature. This variant is reported in 0.012% of alleles in individuals of African descent in gnomAD. At this time, the clinical significance of this variant is uncertain due to the absence of conclusive functional and genetic evidence.

NM_019892.6(INPP5E):c.1584C>G (p.Ile528Met)

Gene: INPP5E (inositol polyphosphate-5-phosphatase E; minus strand). Cytogenetic location: 9q34.3.
Variant type: single nucleotide variant.
Coding change: c.1584C>G on transcript NM_019892.6 (MANE Select); coding-DNA position 1584, C replaced by G.
Protein change: p.Ile528Met; replaces isoleucine 528 with methionine.
Molecular consequence: missense variant.
Genome position (GRCh38, 1-based): chr9:136,431,083, G>C on the plus strand (C>G on the coding strand, the complement: INPP5E is on the minus strand). VCF-style: chr9-136431083-G-C. GRCh37 (hg19) VCF-style: chr9-139325535-G-C.
Other names: c.1581C>G, p.Ile527Met (NM_001318502.2); short protein forms I527M, I528M.
Identifiers: ClinVar variation 4998769 (VCV004998769.1).